The following is an entry in ClinVar:

NM_020937.4(FANCM):c.52C>T (p.Arg18Ter)

Gene: FANCM (FA complementation group M; plus strand). Cytogenetic location: 14q21.2.
Variant type: single nucleotide variant.
Coding change: c.52C>T on transcript NM_020937.4 (MANE Select); coding-DNA position 52, C replaced by T.
Protein change: p.Arg18Ter; replaces arginine 18 with a stop codon.
Molecular consequence: nonsense.
Genome position (GRCh38, 1-based): chr14:45,136,083, C>T. VCF-style: chr14-45136083-C-T. GRCh37 (hg19) VCF-style: chr14-45605286-C-T.
Other names: c.52C>T, p.Arg18Ter (NM_001308133.2, NM_001308134.2); short protein forms R18*.
Identifiers: ClinVar variation 1907529 (VCV001907529.5), dbSNP rs1323969534, ClinGen allele CA389586768.

ClinVar aggregate classification (germline): Pathogenic (1 of 4 stars; one submission).

Conditions:
Fanconi anemia (FA). Also called: Fanconi's anemia. Identifiers: Orphanet 84, MedGen C0015625, MeSH D005199, MONDO:0019391.

Allele frequency attached by ClinVar (database versions not stated): TOPMed 0.00001.

Submission:

Labcorp Genetics (formerly Invitae), Labcorp
Classification: Pathogenic for Fanconi anemia. Last evaluated: 2024-10-16. Review status: criteria provided, single submitter. Criteria: Invitae Variant Classification Sherloc (09022015). Collection method: clinical testing. Allele origin: germline.
Comment: This sequence change creates a premature translational stop signal (p.Arg18*) in the FANCM gene. It is expected to result in an absent or disrupted protein product. Loss-of-function variants in FANCM are known to be pathogenic (PMID: 29895858, 30075111). This variant is not present in population databases (gnomAD no frequency). This variant has not been reported in the literature in individuals affected with FANCM-related conditions. ClinVar contains an entry for this variant (Variation ID: 1907529). For these reasons, this variant has been classified as Pathogenic.

Literature cited by the submitters: PubMed 29895858; PubMed 30075111.